The following is an entry in ClinVar:

ClinVar aggregate classification (germline): Uncertain significance (1 of 4 stars; one submission).

Conditions:
Juvenile polyposis syndrome (JPS). Identifiers: Orphanet 2929, MedGen C0345893, MONDO:0017380, OMIM 174900.

Submission:

Labcorp Genetics (formerly Invitae), Labcorp
Classification: Uncertain significance for Juvenile polyposis syndrome. Last evaluated: 2022-04-10. Review status: criteria provided, single submitter. Criteria: Invitae Variant Classification Sherloc (09022015). Collection method: clinical testing. Allele origin: germline.
Comment: This sequence change replaces leucine, which is neutral and non-polar, with phenylalanine, which is neutral and non-polar, at codon 30 of the BMPR1A protein (p.Leu30Phe). This variant is not present in population databases (gnomAD no frequency). This variant has not been reported in the literature in individuals affected with BMPR1A-related conditions. Algorithms developed to predict the effect of missense changes on protein structure and function are either unavailable or do not agree on the potential impact of this missense change (SIFT: "Tolerated"; PolyPhen-2: "Possibly Damaging"; Align-GVGD: "Class C0"). In summary, the available evidence is currently insufficient to determine the role of this variant in disease. Therefore, it has been classified as a Variant of Uncertain Significance.

NM_004329.3(BMPR1A):c.88C>T (p.Leu30Phe)

Gene: BMPR1A (bone morphogenetic protein receptor type 1A; plus strand). Cytogenetic location: 10q23.2.
Variant type: single nucleotide variant.
Coding change: c.88C>T on transcript NM_004329.3 (MANE Select); coding-DNA position 88, C replaced by T.
Protein change: p.Leu30Phe; replaces leucine 30 with phenylalanine.
Molecular consequence: missense variant.
Genome position (GRCh38, 1-based): chr10:86,890,082, C>T. VCF-style: chr10-86890082-C-T. GRCh37 (hg19) VCF-style: chr10-88649839-C-T.
Other names: c.88C>T, p.Leu30Phe (NM_001406559.1, NM_001406560.1, NM_001406561.1 and 23 more transcripts); c.4C>T, p.Leu2Phe (NM_001406584.1, NM_001406585.1, NM_001406586.1 and 2 more transcripts); short protein forms L2F, L30F.
Identifiers: ClinVar variation 2039810 (VCV002039810.4), dbSNP rs2539430162, ClinGen allele CA377446303.
Genomic context (GRCh38, chr10:86,890,082, plus strand): 5'-TCAGAAATGATTTACTTACAAATTCCATATTTGAATGCAGGACAGAATCTGGATAGTATG[C>T]TTCATGGCACTGGGATGAAATCAGACTCCGACCAGAAAAAGTCAGAAAATGGAGTAACCT-3'
Protein context (NP_004320.2, residues 20-40): RVQGQNLDSM[Leu30Phe]HGTGMKSDSD